The following is an entry in ClinVar:

ClinVar aggregate classification (germline): Benign (1 of 4 stars; one submission).

Allele frequency attached by ClinVar (database versions not stated): 1000 Genomes Project 30x 0.21877; 1000 Genomes Project 0.22105; TOPMed 0.23487; gnomAD 0.23710 and 0.23798.
gnomAD v4.1: 36,176 of 151,802 alleles (24%); highest among the groups gnomAD compares: Middle Eastern, 28%; 4,418 homozygotes.

Submission:

GeneDx
Classification: Benign. Last evaluated: 2018-06-18. Review status: criteria provided, single submitter. Criteria: GeneDx Variant Classification (06012015). Collection method: clinical testing. Allele origin: germline. Affected: yes.
Comment: This variant is considered likely benign or benign based on one or more of the following criteria: it is a conservative change, it occurs at a poorly conserved position in the protein, it is predicted to be benign by multiple in silico algorithms, and/or has population frequency not consistent with disease.

NM_001843.4(CNTN1):c.2823+283G>A

Gene: CNTN1 (contactin 1; plus strand). Cytogenetic location: 12q12.
Variant type: single nucleotide variant.
Coding change: c.2823+283G>A on transcript NM_001843.4 (MANE Select); 283 bases into the intron after coding-DNA position 2823, G replaced by A.
Molecular consequence: intron variant.
Genome position (GRCh38, 1-based): chr12:41,028,252, G>A. VCF-style: chr12-41028252-G-A. GRCh37 (hg19) VCF-style: chr12-41422054-G-A.
Other names: c.2790+283G>A (NM_175038.2).
Identifiers: ClinVar variation 668100 (VCV000668100.1), dbSNP rs3794250, ClinGen allele CA13686177.